The following is an entry in ClinVar:

NM_022489.4(INF2):c.475G>T (p.Val159Leu)

Gene: INF2 (inverted formin 2; plus strand). Cytogenetic location: 14q32.33.
Variant type: single nucleotide variant.
Coding change: c.475G>T on transcript NM_022489.4 (MANE Select); coding-DNA position 475, G replaced by T.
Protein change: p.Val159Leu; replaces valine 159 with leucine.
Molecular consequence: missense variant.
Genome position (GRCh38, 1-based): chr14:104,703,188, G>T. VCF-style: chr14-104703188-G-T. GRCh37 (hg19) VCF-style: chr14-105169525-G-T.
Other names: c.475G>T, p.Val159Leu (NM_001031714.4, NM_032714.3); short protein forms V159L.
Identifiers: ClinVar variation 1051638 (VCV001051638.9), dbSNP rs781188543, ClinGen allele CA391212978.

ClinVar aggregate classification (germline): Uncertain significance (1 of 4 stars; one submission).

Conditions:
Focal segmental glomerulosclerosis 5 (FSGS5). Identifiers: Orphanet 656, MedGen C2750475, MONDO:0013191, OMIM 613237.
Charcot-Marie-Tooth disease dominant intermediate E. Also called: CHARCOT-MARIE-TOOTH NEUROPATHY WITH FOCAL SEGMENTAL GLOMERULONEPHRITIS. Identifiers: Orphanet 93114, MedGen C4302667, MONDO:0013758, OMIM 614455.

Submission:

Labcorp Genetics (formerly Invitae), Labcorp
Classification: Uncertain significance for Charcot-Marie-Tooth disease dominant intermediate E; Focal segmental glomerulosclerosis 5. Last evaluated: 2023-10-03. Review status: criteria provided, single submitter. Criteria: Invitae Variant Classification Sherloc (09022015). Collection method: clinical testing. Allele origin: germline.
Comment: This sequence change replaces valine, which is neutral and non-polar, with leucine, which is neutral and non-polar, at codon 159 of the INF2 protein (p.Val159Leu). This variant is not present in population databases (gnomAD no frequency). This variant has not been reported in the literature in individuals affected with INF2-related conditions. ClinVar contains an entry for this variant (Variation ID: 1051638). Advanced modeling of protein sequence and biophysical properties (such as structural, functional, and spatial information, amino acid conservation, physicochemical variation, residue mobility, and thermodynamic stability) performed at Invitae indicates that this missense variant is not expected to disrupt INF2 protein function. In summary, the available evidence is currently insufficient to determine the role of this variant in disease. Therefore, it has been classified as a Variant of Uncertain Significance.